The following is an entry in ClinVar:

ClinVar aggregate classification (germline): Uncertain significance (1 of 4 stars; one submission).

Conditions:
Ehlers-Danlos syndrome, classic type, 1 (EDSCL1). Also called: EHLERS-DANLOS SYNDROME, GRAVIS TYPE; EHLERS-DANLOS SYNDROME, SEVERE CLASSIC TYPE; Ehlers-Danlos syndrome, type 1; Ehlers-Danlos Syndrome, Classic Type, COL5A1-Related; EDS I. Identifiers: MedGen C0268335, MONDO:0019567, OMIM 130000.

Submission:

Labcorp Genetics (formerly Invitae), Labcorp
Classification: Uncertain significance for Ehlers-Danlos syndrome, classic type, 1. Last evaluated: 2024-08-30. Review status: criteria provided, single submitter. Criteria: Invitae Variant Classification Sherloc (09022015). Collection method: clinical testing. Allele origin: germline.
Comment: This sequence change replaces proline, which is neutral and non-polar, with threonine, which is neutral and polar, at codon 249 of the COL5A1 protein (p.Pro249Thr). This variant is not present in population databases (gnomAD no frequency). This variant has not been reported in the literature in individuals affected with COL5A1-related conditions. Invitae Evidence Modeling of protein sequence and biophysical properties (such as structural, functional, and spatial information, amino acid conservation, physicochemical variation, residue mobility, and thermodynamic stability) indicates that this missense variant is not expected to disrupt COL5A1 protein function with a negative predictive value of 95%. In summary, the available evidence is currently insufficient to determine the role of this variant in disease. Therefore, it has been classified as a Variant of Uncertain Significance.

NM_000093.5(COL5A1):c.745C>A (p.Pro249Thr)

Gene: COL5A1 (collagen type V alpha 1 chain; plus strand). Cytogenetic location: 9q34.3.
Variant type: single nucleotide variant.
Coding change: c.745C>A on transcript NM_000093.5 (MANE Select); coding-DNA position 745, C replaced by A.
Protein change: p.Pro249Thr; replaces proline 249 with threonine.
Molecular consequence: missense variant.
Genome position (GRCh38, 1-based): chr9:134,727,356, C>A. VCF-style: chr9-134727356-C-A. GRCh37 (hg19) VCF-style: chr9-137619202-C-A.
Other names: c.745C>A, p.Pro249Thr (NM_001278074.1); short protein forms P249T.
Identifiers: ClinVar variation 3675021 (VCV003675021.2).